The following is an entry in ClinVar:

ClinVar aggregate classification (germline): Likely benign. Review status: criteria provided, multiple submitters, no conflicts (2 of 4 stars). 3 submissions from 3 submitters: Likely benign (3). Last evaluated 2024-03-01.

Allele frequency attached by ClinVar (database versions not stated): ExAC 0.00001; gnomAD 0.00001 and 0.00002; gnomAD exomes 0.00002 and 0.00003; TOPMed 0.00002.
gnomAD v4.1: 40 of 1,613,964 alleles (0.0025%); highest among the groups gnomAD compares: Admixed American, 0.0083%; no homozygotes.

Submissions (3):

CeGaT Center for Human Genetics Tuebingen
Classification: Likely benign. Last evaluated: 2024-03-01. Review status: criteria provided, single submitter. Criteria: CeGaT Center For Human Genetics Tuebingen Variant Classification Criteria Version 2. Collection method: clinical testing. Allele origin: germline. Affected: yes. Observed: 1 variant allele.
Comment: LAMB3: BP4, BP7

Labcorp Genetics (formerly Invitae), Labcorp
Classification: Likely benign. Last evaluated: 2024-02-22. Review status: criteria provided, single submitter. Criteria: Invitae Variant Classification Sherloc (09022015). Collection method: clinical testing. Allele origin: germline.

Blueprint Genetics
Classification: Likely benign. Last evaluated: 2023-12-22. Review status: criteria provided, single submitter. Criteria: ACMG Guidelines, 2015. Collection method: clinical testing. Allele origin: germline.

NM_000228.3(LAMB3):c.1347G>A (p.Gly449=)

Gene: LAMB3 (laminin subunit beta 3; minus strand). Cytogenetic location: 1q32.2.
Variant type: single nucleotide variant.
Coding change: c.1347G>A on transcript NM_000228.3 (MANE Select); coding-DNA position 1347, G replaced by A.
Protein change: p.Gly449=; no amino-acid change (glycine 449 retained).
Molecular consequence: synonymous variant.
Genome position (GRCh38, 1-based): chr1:209,627,521, C>T on the plus strand (G>A on the coding strand, the complement: LAMB3 is on the minus strand). VCF-style: chr1-209627521-C-T. GRCh37 (hg19) VCF-style: chr1-209800866-C-T.
Other names: c.1347G>A, p.Gly449= (NM_001017402.2, NM_001127641.1).
Identifiers: ClinVar variation 797703 (VCV000797703.32), dbSNP rs762400142, ClinGen allele CA1375612.
Genomic context (GRCh38, chr1:209,627,521, plus strand): 5'-GTGGTAGGGAGCACACTGGTCACATTTGGGACCCACCACGTTGGGCAGACAAAGGCAGCG[C>T]CCACTCTCCTCGTCACACGGCATGTCCCTCCGGGACCCCAGGATGTTGCAGTCACAGCCT-3'
Protein context (NP_000219.2, residues 439-459): RRDMPCDEES[Gly449=]RCLCLPNVVG